The following is an entry in ClinVar:

NM_198129.4(LAMA3):c.7120C>T (p.Arg2374Ter)

Gene: LAMA3 (laminin subunit alpha 3; plus strand). Cytogenetic location: 18q11.2.
Variant type: single nucleotide variant.
Coding change: c.7120C>T on transcript NM_198129.4 (MANE Select); coding-DNA position 7120, C replaced by T.
Protein change: p.Arg2374Ter; replaces arginine 2374 with a stop codon.
Molecular consequence: nonsense.
Genome position (GRCh38, 1-based): chr18:23,909,257, C>T. VCF-style: chr18-23909257-C-T. GRCh37 (hg19) VCF-style: chr18-21489221-C-T.
Other names: c.2293C>T, p.Arg765Ter (NM_000227.6); c.6952C>T, p.Arg2318Ter (NM_001127717.4); c.2125C>T, p.Arg709Ter (NM_001127718.4); short protein forms R2374*, R709*, R2318*, R765*.
Identifiers: ClinVar variation 2736712 (VCV002736712.16), dbSNP rs1237688115, ClinGen allele CA402054338.

ClinVar aggregate classification (germline): Pathogenic. Review status: criteria provided, multiple submitters, no conflicts (2 of 4 stars). 2 submissions from 2 submitters: Pathogenic (2). Last evaluated 2025-01-01.

Allele frequency attached by ClinVar (database versions not stated): gnomAD exomes below 0.00001; TOPMed below 0.00001.
gnomAD v4.1: 2 of 1,613,428 alleles (0.00012%); highest among the groups gnomAD compares: Non-Finnish European, 0.00017%; no homozygotes.

Submissions (2):

CeGaT Center for Human Genetics Tuebingen
Classification: Pathogenic. Last evaluated: 2025-01-01. Review status: criteria provided, single submitter. Criteria: CeGaT Center For Human Genetics Tuebingen Variant Classification Criteria Version 2. Collection method: clinical testing. Allele origin: germline. Affected: yes. Observed: 1 variant allele.
Comment: LAMA3: PVS1, PM2

Labcorp Genetics (formerly Invitae), Labcorp
Classification: Pathogenic. Last evaluated: 2023-07-09. Review status: criteria provided, single submitter. Criteria: Invitae Variant Classification Sherloc (09022015). Collection method: clinical testing. Allele origin: germline.
Comment: This sequence change creates a premature translational stop signal (p.Arg765*) in the LAMA3 gene. It is expected to result in an absent or disrupted protein product. Loss-of-function variants in LAMA3 are known to be pathogenic (PMID: 10366601, 11810295, 12915477, 16473856, 17362460, 22434185, 23869449, 27827380, 28087116). For these reasons, this variant has been classified as Pathogenic. This premature translational stop signal has been observed in individual(s) with junctional epidermolysis bullosa (PMID: 11810295). This variant is not present in population databases (gnomAD no frequency).

Literature cited by the submitters: PubMed 10366601 (cited by Labcorp Genetics (formerly Invitae), Labcorp); PubMed 11810295 (cited by Labcorp Genetics (formerly Invitae), Labcorp); PubMed 12915477 (cited by Labcorp Genetics (formerly Invitae), Labcorp); PubMed 16473856 (cited by Labcorp Genetics (formerly Invitae), Labcorp); PubMed 17362460 (cited by Labcorp Genetics (formerly Invitae), Labcorp); PubMed 22434185 (cited by Labcorp Genetics (formerly Invitae), Labcorp); PubMed 23869449 (cited by Labcorp Genetics (formerly Invitae), Labcorp); PubMed 27827380 (cited by Labcorp Genetics (formerly Invitae), Labcorp); PubMed 28087116 (cited by Labcorp Genetics (formerly Invitae), Labcorp).